The following is an entry in ClinVar:

NM_000257.4(MYH7):c.3546_3561dup (p.Thr1188fs)

Gene: MYH7 (myosin heavy chain 7; minus strand). Cytogenetic location: 14q11.2.
Variant type: Duplication.
Coding change: c.3546_3561dup on transcript NM_000257.4 (MANE Select); coding-DNA positions 3546 to 3561, 16 bases duplicated (GCTGCAGCACGAGGCC).
Protein change: p.Thr1188fs; shifts the reading frame from threonine 1188.
Molecular consequence: frameshift variant.
Genome position (GRCh38, 1-based): chr14:23,420,010-23,420,025, GGCCTCGTGCTGCAGC duplicated on the plus strand (GCTGCAGCACGAGGCC on the coding strand, the reverse complement: MYH7 is on the minus strand); duplicating any 16 consecutive bases within chr14:23,420,010-23,420,026 gives the same sequence; the c. name uses the placement nearest the transcript's 3' end. VCF-style (leftmost placement, unchanged base first): chr14-23420009-T-TGGCCTCGTGCTGCAGC. GRCh37 (hg19) VCF-style: chr14-23889218-T-TGGCCTCGTGCTGCAGC.
Other names: c.3546_3561dup (NM_000257.2); c.3546_3561dup, p.Thr1188fs (NM_001407004.1); short protein forms T1188fs.
Identifiers: ClinVar variation 3338332 (VCV003338332.1).

ClinVar aggregate classification (germline): Uncertain significance (1 of 4 stars; one submission).

Conditions:
Hypertrophic cardiomyopathy. Also called: HYPERTROPHIC MYOCARDIOPATHY. Identifiers: Orphanet 217569, MedGen C0007194, MeSH D002312, MONDO:0005045, HP:0001639.

Submission:

Lildballe Lab, Aarhus University Hospital
Classification: Uncertain significance for Hypertrophic cardiomyopathy. Last evaluated: 2024-03-01. Review status: criteria provided, single submitter. Criteria: ACMG Guidelines, 2015. Collection method: research. Allele origin: germline. Affected: yes.
Comment: PM1(m), PM2(sup), P3(sup)

Literature cited by the submitters: PubMed 25741898; PubMed 39481677.